The following is an entry in ClinVar:

NM_033109.5(PNPT1):c.1280A>G (p.Tyr427Cys)

Gene: PNPT1 (polyribonucleotide nucleotidyltransferase 1; minus strand). Cytogenetic location: 2p16.1.
Variant type: single nucleotide variant.
Coding change: c.1280A>G on transcript NM_033109.5 (MANE Select); coding-DNA position 1280, A replaced by G.
Protein change: p.Tyr427Cys; replaces tyrosine 427 with cysteine.
Molecular consequence: missense variant.
Genome position (GRCh38, 1-based): chr2:55,660,161, T>C on the plus strand (A>G on the coding strand, the complement: PNPT1 is on the minus strand). VCF-style: chr2-55660161-T-C. GRCh37 (hg19) VCF-style: chr2-55887296-T-C.
Other names: short protein forms Y427C.
Identifiers: ClinVar variation 2097176 (VCV002097176.4), dbSNP rs2529536801, ClinGen allele CA346928017.

ClinVar aggregate classification (germline): Uncertain significance (1 of 4 stars; one submission).

Submission:

Labcorp Genetics (formerly Invitae), Labcorp
Classification: Uncertain significance. Last evaluated: 2022-02-12. Review status: criteria provided, single submitter. Criteria: Invitae Variant Classification Sherloc (09022015). Collection method: clinical testing. Allele origin: germline.
Comment: This variant is not present in population databases (gnomAD no frequency). This sequence change replaces tyrosine, which is neutral and polar, with cysteine, which is neutral and slightly polar, at codon 427 of the PNPT1 protein (p.Tyr427Cys). This variant has not been reported in the literature in individuals affected with PNPT1-related conditions. In summary, the available evidence is currently insufficient to determine the role of this variant in disease. Therefore, it has been classified as a Variant of Uncertain Significance. Advanced modeling of protein sequence and biophysical properties (such as structural, functional, and spatial information, amino acid conservation, physicochemical variation, residue mobility, and thermodynamic stability) performed at Invitae indicates that this missense variant is expected to disrupt PNPT1 protein function.